The following is an entry in ClinVar:

NM_014927.5(CNKSR2):c.2836C>A (p.Pro946Thr)

Gene: CNKSR2 (connector enhancer of kinase suppressor of Ras 2; plus strand). Cytogenetic location: Xp22.12.
Variant type: single nucleotide variant.
Coding change: c.2836C>A on transcript NM_014927.5 (MANE Select); coding-DNA position 2836, C replaced by A.
Protein change: p.Pro946Thr; replaces proline 946 with threonine.
Molecular consequence: missense variant.
Genome position (GRCh38, 1-based): chrX:21,648,974, C>A. VCF-style: chrX-21648974-C-A. GRCh37 (hg19) VCF-style: chrX-21667092-C-A.
Other names: c.2746C>A, p.Pro916Thr (NM_001168647.3); c.2689C>A, p.Pro897Thr (NM_001330770.2); c.2599C>A, p.Pro867Thr (NM_001330772.2); short protein forms P867T, P916T, P946T, P897T.
Identifiers: ClinVar variation 5008242 (VCV005008242.1).

ClinVar aggregate classification (germline): Uncertain significance (1 of 4 stars; one submission).

Submission:

GeneDx
Classification: Uncertain significance. Last evaluated: 2026-03-12. Review status: criteria provided, single submitter. Criteria: GeneDx Variant Classification Process June 2021. Collection method: clinical testing. Allele origin: germline.
Comment: Not observed at significant frequency in large population cohorts (gnomAD); In silico analysis supports that this missense variant has a deleterious effect on protein structure/function; Has not been previously published as pathogenic or benign to our knowledge